The following is an entry in ClinVar:

NM_001083961.2(WDR62):c.359C>A (p.Ser120Tyr)

Gene: WDR62 (WD repeat domain 62; plus strand). Cytogenetic location: 19q13.12.
Variant type: single nucleotide variant.
Coding change: c.359C>A on transcript NM_001083961.2 (MANE Select); coding-DNA position 359, C replaced by A.
Protein change: p.Ser120Tyr; replaces serine 120 with tyrosine.
Molecular consequence: missense variant.
Genome position (GRCh38, 1-based): chr19:36,065,984, C>A. VCF-style: chr19-36065984-C-A. GRCh37 (hg19) VCF-style: chr19-36556886-C-A.
Other names: c.359C>A, p.Ser120Tyr (NM_173636.5); short protein forms S120Y.
Identifiers: ClinVar variation 160292 (VCV000160292.9), dbSNP rs587784558, ClinGen allele CA272797.

ClinVar aggregate classification (germline): Likely pathogenic. Review status: criteria provided, multiple submitters, no conflicts (2 of 4 stars). 2 submissions from 2 submitters: Likely pathogenic (2). Last evaluated 2012-11-29.

Conditions:
Microcephaly 2, primary, autosomal recessive, with or without cortical malformations. Also called: MICROCEPHALY 2, PRIMARY, AUTOSOMAL RECESSIVE, WITH CORTICAL MALFORMATIONS; WDR62 Primary Microcephaly. Identifiers: Orphanet 2512, MedGen C1858535, MONDO:0011435, OMIM 604317.

Allele frequency attached by ClinVar (database versions not stated): TOPMed below 0.00001; gnomAD 0.00001; gnomAD exomes 0.00001 and 0.00002; ExAC 0.00002.
gnomAD v4.1: 9 of 1,614,106 alleles (0.00056%); highest among the groups gnomAD compares: Admixed American, 0.012%; no homozygotes.

Submissions (2):

Genetic Services Laboratory, University of Chicago
Classification: Likely pathogenic for Microcephaly 2, primary, autosomal recessive, with or without cortical malformations. Last evaluated: 2012-11-29. Review status: criteria provided, single submitter. Criteria: ACMG Guidelines, 2007. Collection method: clinical testing. Allele origin: germline. Inheritance: Autosomal recessive inheritance. Affected: yes.

Department of Medical Genetics, Sanjay Gandhi Post Graduate Institute of Medical Sciences
Classification: Likely pathogenic for Microcephaly 2, primary, autosomal recessive, with or without cortical malformations. Review status: criteria provided, single submitter. Criteria: ACMG Guidelines, 2015. Collection method: research. Allele origin: germline. Inheritance: Autosomal recessive inheritance. Affected: yes. Observed: 1 homozygote.
Comment: Analysis of the exome sequencing data showed a novel homozygous sequence variant in WDR62 gene. This variant is predicted as Disease Causing by MutationTaster. This variant is not found in ExAC and 1000G databases in homozygous form.